The following is an entry in ClinVar:

ClinVar aggregate classification (germline): Uncertain significance (1 of 4 stars; one submission).

Submission:

GeneDx
Classification: Uncertain significance. Last evaluated: 2026-02-05. Review status: criteria provided, single submitter. Criteria: GeneDx Variant Classification Process June 2021. Collection method: clinical testing. Allele origin: germline.
Comment: Not observed at significant frequency in large population cohorts (gnomAD); In silico analysis suggests that this missense variant does not alter protein structure/function; Has not been previously published as pathogenic or benign to our knowledge

NM_001318510.2(ACSL4):c.463T>C (p.Ser155Pro)

Gene: ACSL4 (acyl-CoA synthetase long chain family member 4; minus strand). Cytogenetic location: Xq23.
Variant type: single nucleotide variant.
Coding change: c.463T>C on transcript NM_001318510.2 (MANE Select); coding-DNA position 463, T replaced by C.
Protein change: p.Ser155Pro; replaces serine 155 with proline.
Molecular consequence: missense variant.
Genome position (GRCh38, 1-based): chrX:109,681,319, A>G on the plus strand (T>C on the coding strand, the complement: ACSL4 is on the minus strand). VCF-style: chrX-109681319-A-G. GRCh37 (hg19) VCF-style: chrX-108924548-A-G.
Other names: c.586T>C, p.Ser196Pro (NM_001318509.2, NM_001437245.1, NM_001437247.1 and 2 more transcripts); c.463T>C, p.Ser155Pro (NM_001437250.1, NM_001437251.1, NM_001437252.1 and 2 more transcripts); short protein forms S155P, S196P.
Identifiers: ClinVar variation 4975597 (VCV004975597.1).